The following is an entry in ClinVar:

NM_002878.4(RAD51D):c.32G>A (p.Gly11Asp)

Genes: RAD51L3-RFFL (RAD51L3-RFFL readthrough; minus strand), RAD51D (RAD51 paralog D; minus strand). Cytogenetic location: 17q12.
Variant type: single nucleotide variant.
Coding change: c.32G>A on transcript NM_002878.4 (MANE Select); coding-DNA position 32, G replaced by A.
Protein change: p.Gly11Asp; replaces glycine 11 with aspartic acid.
Molecular consequence: missense variant. On other transcripts: non-coding transcript variant (2).
Genome position (GRCh38, 1-based): chr17:35,119,582, C>T on the plus strand (G>A on the coding strand, the complement: RAD51D is on the minus strand). VCF-style: chr17-35119582-C-T. GRCh37 (hg19) VCF-style: chr17-33446601-C-T.
Other names: c.32G>A, p.Gly11Asp (NM_001142571.2, NM_133629.3); short protein forms G11D.
Identifiers: ClinVar variation 857619 (VCV000857619.10), dbSNP rs2091798661, ClinGen allele CA399092507.

ClinVar aggregate classification (germline): Uncertain significance. Review status: criteria provided, multiple submitters, no conflicts (2 of 4 stars). 2 submissions from 2 submitters: Uncertain significance (2). Last evaluated 2023-07-16.

Conditions:
Hereditary cancer-predisposing syndrome. Also called: Tumor predisposition; Hereditary neoplastic syndrome; Neoplastic Syndromes, Hereditary; Hereditary Cancer Syndrome. Identifiers: Orphanet 140162, MedGen C0027672, MeSH D009386, MONDO:0015356.
Breast-ovarian cancer, familial, susceptibility to, 4. Identifiers: Orphanet 145, MedGen C3280345, MONDO:0013669, OMIM 614291.

Submissions (2):

Labcorp Genetics (formerly Invitae), Labcorp
Classification: Uncertain significance for Breast-ovarian cancer, familial, susceptibility to, 4. Last evaluated: 2023-07-16. Review status: criteria provided, single submitter. Criteria: Invitae Variant Classification Sherloc (09022015). Collection method: clinical testing. Allele origin: germline.
Comment: In summary, the available evidence is currently insufficient to determine the role of this variant in disease. Therefore, it has been classified as a Variant of Uncertain Significance. An algorithm developed to predict the effect of missense changes on protein structure and function (PolyPhen-2) suggests that this variant is likely to be disruptive. ClinVar contains an entry for this variant (Variation ID: 857619). This variant has not been reported in the literature in individuals affected with RAD51D-related conditions. This variant is not present in population databases (gnomAD no frequency). This sequence change replaces glycine, which is neutral and non-polar, with aspartic acid, which is acidic and polar, at codon 11 of the RAD51D protein (p.Gly11Asp).

Ambry Genetics
Classification: Uncertain significance for Hereditary cancer-predisposing syndrome. Last evaluated: 2021-05-17. Review status: criteria provided, single submitter. Criteria: Ambry Variant Classification Scheme 2023. Collection method: clinical testing. Allele origin: germline.
Comment: The p.G11D variant (also known as c.32G>A), located in coding exon 1 of the RAD51D gene, results from a G to A substitution at nucleotide position 32. The glycine at codon 11 is replaced by aspartic acid, an amino acid with similar properties. This amino acid position is highly conserved in available vertebrate species. In addition, the in silico prediction for this alteration is inconclusive. Since supporting evidence is limited at this time, the clinical significance of this alteration remains unclear.